The following is an entry in ClinVar:

ClinVar aggregate classification (germline): Pathogenic (1 of 4 stars; one submission).

Conditions:
Duchenne muscular dystrophy (DMD). Also called: MUSCULAR DYSTROPHY, PSEUDOHYPERTROPHIC PROGRESSIVE, DUCHENNE TYPE; Duchenne Muscular Dystrophy (DMD). Identifiers: Orphanet 98896, MedGen C0013264, MONDO:0010679, OMIM 310200.

Submission:

Labcorp Genetics (formerly Invitae), Labcorp
Classification: Pathogenic for Duchenne muscular dystrophy. Last evaluated: 2021-07-22. Review status: criteria provided, single submitter. Criteria: Invitae Variant Classification Sherloc (09022015). Collection method: clinical testing. Allele origin: germline.
Comment: For these reasons, this variant has been classified as Pathogenic. Algorithms developed to predict the effect of sequence changes on RNA splicing suggest that this variant may disrupt the consensus splice site. Disruption of this splice site has been observed in individual(s) with dystrophinopathies (PMID: 19409785, 25972034). This variant is not present in population databases (ExAC no frequency). This sequence change affects a donor splice site in intron 67 of the DMD gene. It is expected to disrupt RNA splicing. Variants that disrupt the donor or acceptor splice site typically lead to a loss of protein function (PMID: 16199547), and loss-of-function variants in DMD are known to be pathogenic (PMID: 16770791, 25007885).

Literature cited by the submitters: PubMed 19409785; PubMed 25972034; PubMed 16199547; PubMed 16770791; PubMed 25007885.

NM_004006.3(DMD):c.9807+1G>A

Gene: DMD (dystrophin; minus strand). Cytogenetic location: Xp21.2.
Variant type: single nucleotide variant.
Coding change: c.9807+1G>A on transcript NM_004006.3 (MANE Select); the canonical splice donor site of the intron after coding-DNA position 9807, G replaced by A.
Molecular consequence: splice donor variant.
Genome position (GRCh38, 1-based): chrX:31,203,960, C>T on the plus strand (G>A on the coding strand, the complement: DMD is on the minus strand). VCF-style: chrX-31203960-C-T. GRCh37 (hg19) VCF-style: chrX-31222077-C-T.
Other names: c.9783+1G>A (NM_000109.4); c.5784+1G>A (NM_004011.4); c.5775+1G>A (NM_004012.4); c.2427+1G>A (NM_004023.3, NM_004020.4, NM_004022.3 and 2 more transcripts); c.1620+1G>A (NM_004014.3); c.603+1G>A (NM_004018.3, NM_004017.3, NM_004016.3 and 2 more transcripts); c.9795+1G>A (NM_004009.3); c.9438+1G>A (NM_004010.3).
Identifiers: ClinVar variation 1371555 (VCV001371555.6), dbSNP rs1569460610, ClinGen allele CA412648334.